The following is an entry in ClinVar:

NM_004385.5(VCAN):c.4144G>A (p.Asp1382Asn)

Genes: VCAN (versican; plus strand), VCAN-AS1 (VCAN antisense RNA 1; minus strand). Cytogenetic location: 5q14.3.
Variant type: single nucleotide variant.
Coding change: c.4144G>A on transcript NM_004385.5 (MANE Select); coding-DNA position 4144, G replaced by A.
Protein change: p.Asp1382Asn; replaces aspartic acid 1382 with asparagine.
Molecular consequence: missense variant. On other transcripts: intron variant (2).
Genome position (GRCh38, 1-based): chr5:83,537,147, G>A. VCF-style: chr5-83537147-G-A. GRCh37 (hg19) VCF-style: chr5-82832966-G-A.
Other names: c.1183G>A, p.Asp395Asn (NM_001164097.2); c.4004-8390G>A (NM_001164098.2); c.1043-8390G>A (NM_001126336.3); c.4144G>A (NM_004385.4); short protein forms D1382N, D395N.
Identifiers: ClinVar variation 1058929 (VCV001058929.11), dbSNP rs2112439328, ClinGen allele CA360307598.

ClinVar aggregate classification (germline): Uncertain significance. Review status: criteria provided, multiple submitters, no conflicts (2 of 4 stars). 3 submissions from 3 submitters: Uncertain significance (3). Last evaluated 2025-09-02.

Conditions:
Inborn genetic diseases. Identifiers: MedGen C0950123, MeSH D030342.

Allele frequency attached by ClinVar (database versions not stated): gnomAD exomes 0.00001.
gnomAD v4.1: 3 of 1,613,788 alleles (0.00019%); highest among the groups gnomAD compares: Admixed American, 0.005%; no homozygotes.

Submissions (3):

Labcorp Genetics (formerly Invitae), Labcorp
Classification: Uncertain significance. Last evaluated: 2025-09-02. Review status: criteria provided, single submitter. Criteria: Invitae Variant Classification Sherloc (09022015). Collection method: clinical testing. Allele origin: germline.
Comment: This sequence change replaces aspartic acid, which is acidic and polar, with asparagine, which is neutral and polar, at codon 1382 of the VCAN protein (p.Asp1382Asn). This variant is not present in population databases (gnomAD no frequency). This variant has not been reported in the literature in individuals affected with VCAN-related conditions. ClinVar contains an entry for this variant (Variation ID: 1058929). An algorithm developed to predict the effect of missense changes on protein structure and function outputs the following: PolyPhen-2: "Benign". The asparagine amino acid residue is found in multiple mammalian species, which suggests that this missense change does not adversely affect protein function. In summary, the available evidence is currently insufficient to determine the role of this variant in disease. Therefore, it has been classified as a Variant of Uncertain Significance.

Ambry Genetics
Classification: Uncertain significance for Inborn genetic diseases. Last evaluated: 2025-07-03. Review status: criteria provided, single submitter. Criteria: Ambry Variant Classification Scheme 2023. Collection method: clinical testing. Allele origin: germline.

Blueprint Genetics
Classification: Uncertain significance. Last evaluated: 2019-09-27. Review status: criteria provided, single submitter. Criteria: ACMG Guidelines, 2015. Collection method: clinical testing. Allele origin: germline.